The following is an entry in ClinVar:

NM_004408.4(DNM1):c.1558-17G>T

Gene: DNM1 (dynamin 1; plus strand). Cytogenetic location: 9q34.11.
Variant type: single nucleotide variant.
Coding change: c.1558-17G>T on transcript NM_004408.4 (MANE Select); 17 bases into the intron before coding-DNA position 1558, G replaced by T.
Molecular consequence: intron variant.
Genome position (GRCh38, 1-based): chr9:128,242,215, G>T. VCF-style: chr9-128242215-G-T. GRCh37 (hg19) VCF-style: chr9-131004494-G-T.
Other names: c.1558-17G>T (NM_001005336.3, NM_001288738.2, NM_001288737.2 and 1 more transcripts).
Identifiers: ClinVar variation 515970 (VCV000515970.10), dbSNP rs749222845, ClinGen allele CA5258238.
Genomic context (GRCh38, chr9:128,242,215, plus strand): 5'-GCCTCTCTTTGCCTACCCCATCCCCCATGGGGAGGCTCAGGCCCTGTCCACTGACCTCCT[G>T]CCCCATCACCCTCCAGGTCATCCGCAAGGGCTGGCTGACTATCAATAATATTGGCATCAT-3'

ClinVar aggregate classification (germline): Likely benign. Review status: criteria provided, multiple submitters, no conflicts (2 of 4 stars). 3 submissions from 3 submitters: Likely benign (3). Last evaluated 2024-11-18.

Conditions:
Developmental and epileptic encephalopathy, 31A. Also called: Epileptic encephalopathy, early infantile, 31; Developmental and epileptic encephalopathy, 31. Identifiers: Orphanet 2382, MedGen C4225357, MONDO:0014598, OMIM 616346.

Allele frequency attached by ClinVar (database versions not stated): TOPMed 0.00001; gnomAD 0.00002; gnomAD exomes 0.00002 and 0.00003; ExAC 0.00006.
gnomAD v4.1: 34 of 1,466,778 alleles (0.0023%); highest among the groups gnomAD compares: Non-Finnish European, 0.0031%; no homozygotes.

Submissions (3):

Labcorp Genetics (formerly Invitae), Labcorp
Classification: Likely benign for Developmental and epileptic encephalopathy, 31A. Last evaluated: 2024-11-18. Review status: criteria provided, single submitter. Criteria: Invitae Variant Classification Sherloc (09022015). Collection method: clinical testing. Allele origin: germline.

Blueprint Genetics
Classification: Likely benign. Last evaluated: 2021-09-06. Review status: criteria provided, single submitter. Criteria: ACMG Guidelines, 2015. Collection method: clinical testing. Allele origin: germline.

GeneDx
Classification: Likely benign. Last evaluated: 2018-03-12. Review status: criteria provided, single submitter. Criteria: GeneDx Variant Classification (06012015). Collection method: clinical testing. Allele origin: germline. Affected: yes.
Comment: This variant is considered likely benign or benign based on one or more of the following criteria: it is a conservative change, it occurs at a poorly conserved position in the protein, it is predicted to be benign by multiple in silico algorithms, and/or has population frequency not consistent with disease.